The following is an entry in ClinVar:

ClinVar aggregate classification (germline): Uncertain significance (1 of 4 stars; one submission).

Conditions:
Inborn genetic diseases. Identifiers: MedGen C0950123, MeSH D030342.

gnomAD v4.1: 2 of 1,585,028 alleles (0.00013%); highest among the groups gnomAD compares: Non-Finnish European, 0.00017%; no homozygotes.

Submission:

Ambry Genetics
Classification: Uncertain significance for Inborn genetic diseases. Last evaluated: 2025-11-05. Review status: criteria provided, single submitter. Criteria: Ambry Variant Classification Scheme 2023. Collection method: clinical testing. Allele origin: germline.
Comment: The c.821A>G (p.D274G) alteration is located in exon 9 (coding exon 8) of the RTEL1 gene. This alteration results from a A to G substitution at nucleotide position 821, causing the aspartic acid (D) at amino acid position 274 to be replaced by a glycine (G). This variant was not reported in population-based cohorts in the Genome Aggregation Database (gnomAD). This amino acid position is highly conserved in available vertebrate species. This alteration is predicted to be deleterious by in silico analysis. Based on insufficient or conflicting evidence, the clinical significance of this alteration remains unclear.

NM_001283009.2(RTEL1):c.749A>G (p.Asp250Gly)

Genes: RTEL1 (regulator of telomere elongation helicase 1; plus strand), RTEL1-TNFRSF6B (RTEL1-TNFRSF6B readthrough (NMD candidate); plus strand). Cytogenetic location: 20q13.33.
Variant type: single nucleotide variant.
Coding change: c.749A>G on transcript NM_001283009.2 (MANE Select); coding-DNA position 749, A replaced by G.
Protein change: p.Asp250Gly; replaces aspartic acid 250 with glycine.
Molecular consequence: missense variant. On other transcripts: non-coding transcript variant (1).
Genome position (GRCh38, 1-based): chr20:63,672,605, A>G. VCF-style: chr20-63672605-A-G. GRCh37 (hg19) VCF-style: chr20-62303958-A-G.
Other names: c.80A>G, p.Asp27Gly (NM_001283010.1); c.749A>G, p.Asp250Gly (NM_016434.4); c.821A>G, p.Asp274Gly (NM_032957.5); short protein forms D250G, D274G, D27G.
Identifiers: ClinVar variation 4629658 (VCV004629658.1).
Genomic context (GRCh38, chr20:63,672,605, plus strand): 5'-TCCTCCTGTAGAGCCGCAGAGCACACAACATTGACCTGAAGGGGACAGTCGTGATCTTTG[A>G]CGAAGCTCACAACGTGGTGAGTCTCCGCTGGCCTCCTAAACACCTCCTATTGCTTCTGGC-3'
Protein context (NP_001269938.1, residues 240-260): IDLKGTVVIF[Asp250Gly]EAHNVEKMCE